The following is an entry in ClinVar:

NM_016151.4(TAOK2):c.2907GCT[2] (p.Leu972_Leu974del)

Gene: TAOK2 (TAO kinase 2; plus strand). Cytogenetic location: 16p11.2.
Variant type: Microsatellite.
Coding change: c.2907GCT[2] on transcript NM_016151.4 (MANE Select); two copies in a row of the 3-base unit GCT starting at c.2907; the reference has five copies in a row; three copies, 9 bases deleted.
Protein change: p.Leu972_Leu974del.
Molecular consequence: inframe deletion. On other transcripts: intron variant (1).
Genome position (GRCh38, 1-based): chr16:29,987,185-29,987,193, GCTGCTGCT deleted; deleting any 9 consecutive bases within chr16:29,987,177-29,987,193 gives the same sequence; the position shown is the placement nearest the transcript's 3' end. VCF-style (leftmost placement, unchanged base first): chr16-29987176-CCTGCTGCTG-C. GRCh37 (hg19) VCF-style: chr16-29998497-CCTGCTGCTG-C.
Other names: c.2568GCT[2], p.Leu859_Leu861del (NM_001252043.2); c.2232+673CTG[2] (NM_004783.4).
Identifiers: ClinVar variation 2788101 (VCV002788101.3), dbSNP rs751062812, ClinGen allele CA7998467.
Genomic context (GRCh38, chr16:29,987,176, plus strand): 5'-CCATGGCCTCCTGGCCGGCCTCTCCTTTGCAGTGGGGTCCTCCTCTGGCCTCCTGCCCCT[CCTGCTGCTG>C]CTGCTGCTTCCATTGCTGGCAGCCCAGGGTGGGGGTGGCCTGCAGGCAGCGCTGCTGGCC-3'

ClinVar aggregate classification (germline): Uncertain significance (1 of 4 stars; one submission).

Submission:

Labcorp Genetics (formerly Invitae), Labcorp
Classification: Uncertain significance. Last evaluated: 2025-10-11. Review status: criteria provided, single submitter. Criteria: Invitae Variant Classification Sherloc (09022015). Collection method: clinical testing. Allele origin: germline.
Comment: This variant, c.2913_2921del, results in the deletion of 3 amino acid(s) of the TAOK2 protein (p.Leu972_Leu974del), but otherwise preserves the integrity of the reading frame. This variant is present in population databases (rs751062812, gnomAD 0.001%). This variant has not been reported in the literature in individuals affected with TAOK2-related conditions. Experimental studies and prediction algorithms are not available or were not evaluated, and the functional significance of this variant is currently unknown. In summary, the available evidence is currently insufficient to determine the role of this variant in disease. Therefore, it has been classified as a Variant of Uncertain Significance.